The following is an entry in ClinVar:

NM_015335.5(MED13L):c.5227T>C (p.Tyr1743His)

Gene: MED13L (mediator complex subunit 13L; minus strand). Cytogenetic location: 12q24.21.
Variant type: single nucleotide variant.
Coding change: c.5227T>C on transcript NM_015335.5 (MANE Select); coding-DNA position 5227, T replaced by C.
Protein change: p.Tyr1743His; replaces tyrosine 1743 with histidine.
Molecular consequence: missense variant.
Genome position (GRCh38, 1-based): chr12:115,980,887, A>G on the plus strand (T>C on the coding strand, the complement: MED13L is on the minus strand). VCF-style: chr12-115980887-A-G. GRCh37 (hg19) VCF-style: chr12-116418692-A-G.
Other names: short protein forms Y1743H.
Identifiers: ClinVar variation 5005042 (VCV005005042.2).

ClinVar aggregate classification (germline): Uncertain significance (1 of 4 stars; one submission).

Conditions:
Cardiac anomalies - developmental delay - facial dysmorphism syndrome (MRFACD). Also called: MED13L Syndrome; Impaired intellectual development and distinctive facial features with or without cardiac defects. Identifiers: Orphanet 369891, MedGen C5192431, MONDO:0014773, OMIM 616789.

gnomAD v4.1: 8 of 1,613,598 alleles (0.0005%); highest among the groups gnomAD compares: East Asian, 0.018%; no homozygotes.

Submission:

Juno Genomics, Hangzhou Juno Genomics, Inc
Classification: Uncertain significance for Cardiac anomalies - developmental delay - facial dysmorphism syndrome. Review status: criteria provided, single submitter. Criteria: ACMG Guidelines, 2015. Collection method: clinical testing. Allele origin: germline.
Comment: Absent from controls (or at extremely low frequency if recessive) in Genome Aggregation Database.;Missense variant in a gene that has a low rate of benign missense variation.